The following is an entry in ClinVar:

ClinVar aggregate classification (germline): Uncertain significance (1 of 4 stars; one submission).

Submission:

Labcorp Genetics (formerly Invitae), Labcorp
Classification: Uncertain significance. Last evaluated: 2022-09-24. Review status: criteria provided, single submitter. Criteria: Invitae Variant Classification Sherloc (09022015). Collection method: clinical testing. Allele origin: germline.
Comment: This sequence change replaces proline, which is neutral and non-polar, with alanine, which is neutral and non-polar, at codon 287 of the CLCN4 protein (p.Pro287Ala). This variant is not present in population databases (gnomAD no frequency). This variant has not been reported in the literature in individuals affected with CLCN4-related conditions. Advanced modeling of protein sequence and biophysical properties (such as structural, functional, and spatial information, amino acid conservation, physicochemical variation, residue mobility, and thermodynamic stability) performed at Invitae indicates that this missense variant is expected to disrupt CLCN4 protein function. In summary, the available evidence is currently insufficient to determine the role of this variant in disease. Therefore, it has been classified as a Variant of Uncertain Significance.

NM_001830.4(CLCN4):c.859C>G (p.Pro287Ala)

Gene: CLCN4 (chloride voltage-gated channel 4; plus strand). Cytogenetic location: Xp22.2.
Variant type: single nucleotide variant.
Coding change: c.859C>G on transcript NM_001830.4 (MANE Select); coding-DNA position 859, C replaced by G.
Protein change: p.Pro287Ala; replaces proline 287 with alanine.
Molecular consequence: missense variant.
Genome position (GRCh38, 1-based): chrX:10,208,060, C>G. VCF-style: chrX-10208060-C-G. GRCh37 (hg19) VCF-style: chrX-10176100-C-G.
Other names: c.577C>G, p.Pro193Ala (NM_001256944.2); short protein forms P193A, P287A.
Identifiers: ClinVar variation 1720279 (VCV001720279.5), dbSNP rs2518885281, ClinGen allele CA412037319.